The following is an entry in ClinVar:

NM_177973.2(SULT2B1):c.501G>A (p.Lys167=)

Gene: SULT2B1 (sulfotransferase family 2B member 1; plus strand). Cytogenetic location: 19q13.33.
Variant type: single nucleotide variant.
Coding change: c.501G>A on transcript NM_177973.2 (MANE Select); coding-DNA position 501, G replaced by A.
Protein change: p.Lys167=; no amino-acid change (lysine 167 retained).
Molecular consequence: synonymous variant.
Genome position (GRCh38, 1-based): chr19:48,591,686, G>A. VCF-style: chr19-48591686-G-A. GRCh37 (hg19) VCF-style: chr19-49094943-G-A.
Other names: c.456G>A, p.Lys152= (NM_004605.2).
Identifiers: ClinVar variation 720878 (VCV000720878.20), dbSNP rs149312079, ClinGen allele CA9553098.
Genomic context (GRCh38, chr19:48,591,686, plus strand): 5'-CAACCCCCGGGACGTTGTGGTCTCCCTCTATCATTACTCCAAGATCGCCGGGCAGTTAAA[G>A]GACCCGGGCACACCCGACCAGTTCCTGAGGGACTTCCTCAAAGGCGAAGGTGGGGACAGG-3'
Protein context (NP_814444.1, residues 157-177): YHYSKIAGQL[Lys167=]DPGTPDQFLR

ClinVar aggregate classification (germline): Benign/Likely benign. Review status: criteria provided, multiple submitters, no conflicts (2 of 4 stars). 4 submissions from 4 submitters: Benign (2); Likely benign (1). 1 of the submissions does not count toward it. Last evaluated 2025-10-06.

Conditions:
SULT2B1-related disorder. Also called: SULT2B1-related condition.

Allele frequency attached by ClinVar (database versions not stated): gnomAD 0.00198 and 0.00186; ExAC 0.00218; TOPMed 0.00221; ESP Exome Variant Server 0.00261; gnomAD exomes 0.00272 and 0.00191; 1000 Genomes Project 0.00040; 1000 Genomes Project 30x 0.00078.
gnomAD v4.1: 4,264 of 1,613,044 alleles (0.26%); highest among the groups gnomAD compares: Non-Finnish European, 0.31%; 7 homozygotes.

Submissions (4):

Labcorp Genetics (formerly Invitae), Labcorp
Classification: Benign. Last evaluated: 2025-10-06. Review status: criteria provided, single submitter. Criteria: Invitae Variant Classification Sherloc (09022015). Collection method: clinical testing. Allele origin: germline.

CeGaT Center for Human Genetics Tuebingen
Classification: Likely benign. Last evaluated: 2025-09-01. Review status: criteria provided, single submitter. Criteria: CeGaT Center For Human Genetics Tuebingen Variant Classification Criteria Version 2. Collection method: clinical testing. Allele origin: germline. Affected: yes. Observed: 1 variant allele.
Comment: SULT2B1: BP4, BP7

Breakthrough Genomics
Classification: Benign. Review status: criteria provided, single submitter. Criteria: ACMG Guidelines, 2015. Collection method: not provided. Allele origin: germline. Inheritance: Autosomal recessive inheritance. Affected: yes.

PreventionGenetics, part of Exact Sciences
Classification: Likely benign for SULT2B1-related condition. Last evaluated: 2019-12-11. Review status: no assertion criteria provided. Collection method: clinical testing. Allele origin: germline. Not counted in ClinVar's aggregate classification.
Comment: This variant is classified as likely benign based on ACMG/AMP sequence variant interpretation guidelines (Richards et al. 2015 PMID: 25741868, with internal and published modifications).